The following is an entry in ClinVar:

NM_021927.3(GUF1):c.500C>G (p.Ala167Gly)

Gene: GUF1 (GTP binding elongation factor GUF1; plus strand). Cytogenetic location: 4p12.
Variant type: single nucleotide variant.
Coding change: c.500C>G on transcript NM_021927.3 (MANE Select); coding-DNA position 500, C replaced by G.
Protein change: p.Ala167Gly; replaces alanine 167 with glycine.
Molecular consequence: missense variant. On other transcripts: 5 prime UTR variant (2).
Genome position (GRCh38, 1-based): chr4:44,681,196, C>G. VCF-style: chr4-44681196-C-G. GRCh37 (hg19) VCF-style: chr4-44683213-C-G.
Other names: c.-469C>G (NM_001345867.2); c.500C>G, p.Ala167Gly (NM_001345868.2); c.-473C>G (NM_001345869.2); short protein forms A167G.
Identifiers: ClinVar variation 1516134 (VCV001516134.8), dbSNP rs2109631571, ClinGen allele CA356761404.

ClinVar aggregate classification (germline): Uncertain significance (1 of 4 stars; one submission).

Submission:

Labcorp Genetics (formerly Invitae), Labcorp
Classification: Uncertain significance. Last evaluated: 2024-07-29. Review status: criteria provided, single submitter. Criteria: Invitae Variant Classification Sherloc (09022015). Collection method: clinical testing. Allele origin: germline.
Comment: This sequence change replaces alanine, which is neutral and non-polar, with glycine, which is neutral and non-polar, at codon 167 of the GUF1 protein (p.Ala167Gly). This variant is not present in population databases (gnomAD no frequency). This variant has not been reported in the literature in individuals affected with GUF1-related conditions. ClinVar contains an entry for this variant (Variation ID: 1516134). Advanced modeling of protein sequence and biophysical properties (such as structural, functional, and spatial information, amino acid conservation, physicochemical variation, residue mobility, and thermodynamic stability) performed at Invitae indicates that this missense variant is not expected to disrupt GUF1 protein function with a negative predictive value of 80%. In summary, the available evidence is currently insufficient to determine the role of this variant in disease. Therefore, it has been classified as a Variant of Uncertain Significance.